The following is an entry in ClinVar:

ClinVar aggregate classification (germline): Likely pathogenic (1 of 4 stars; one submission).

Conditions:
Developmental delay, impaired speech, and behavioral abnormalities, with or without seizures (DEDISB). Identifiers: MedGen C5575272, MONDO:0859263, OMIM 619964.

Submission:

Illumina Laboratory Services, Illumina
Classification: Likely pathogenic for Developmental delay, impaired speech, and behavioral abnormalities, with or without seizures. Last evaluated: 2023-07-24. Review status: criteria provided, single submitter. Criteria: ICSLVariantClassificationCriteria RUGD 01 April 2020. Collection method: clinical testing. Allele origin: unknown.
Comment: The ARFGEF1 c.1337+1G>C variant results in a substitution at the consensus splice donor site which may result in splicing defects. This variant has not, to our knowledge, been reported in the peer-reviewed literature. This variant is not observed in version 2.1.1 or version 3.1.2 of the Genome Aggregation Database. This variant has been shown to segregate with disease. Based on the available evidence, the c.1337+1G>C variant is classified as likely pathogenic for developmental delay, impaired speech, and behavioral abnormalities, with or without seizures.

NM_006421.5(ARFGEF1):c.1337+1G>C

Gene: ARFGEF1 (ARF guanine nucleotide exchange factor 1; minus strand). Cytogenetic location: 8q13.2.
Variant type: single nucleotide variant.
Coding change: c.1337+1G>C on transcript NM_006421.5 (MANE Select); the canonical splice donor site of the intron after coding-DNA position 1337, G replaced by C.
Molecular consequence: splice donor variant. On other transcripts: intron variant (1).
Genome position (GRCh38, 1-based): chr8:67,275,975, C>G on the plus strand (G>C on the coding strand, the complement: ARFGEF1 is on the minus strand). VCF-style: chr8-67275975-C-G. GRCh37 (hg19) VCF-style: chr8-68188210-C-G.
Other names: c.1337+1G>C (NM_001413186.1, NM_001413187.1, NM_001413185.1 and 7 more transcripts); c.737+1G>C (NM_001413188.1, NM_001413197.1, NM_001413193.1); c.-88-4039G>C (NM_001413196.1).
Identifiers: ClinVar variation 2627909 (VCV002627909.1), dbSNP rs2491713504, ClinGen allele CA371219375.